The following is an entry in ClinVar:

ClinVar aggregate classification (germline): Uncertain significance (1 of 4 stars; one submission).

Conditions:
Brugada syndrome. Also called: Sudden unexpected nocturnal death syndrome; Sudden Unexplained Death Syndrome; Sudden Unexplained Nocturnal Death Syndrome (SUNDS); Sudden unexplained nocturnal death syndrome. Identifiers: Orphanet 130, MedGen C1142166, MONDO:0015263.

Submission:

Labcorp Genetics (formerly Invitae), Labcorp
Classification: Uncertain significance for Brugada syndrome. Last evaluated: 2024-08-29. Review status: criteria provided, single submitter. Criteria: Invitae Variant Classification Sherloc (09022015). Collection method: clinical testing. Allele origin: germline.
Comment: This sequence change falls in intron 11 of the SLMAP gene. It does not directly change the encoded amino acid sequence of the SLMAP protein. This variant is not present in population databases (gnomAD no frequency). This variant has not been reported in the literature in individuals affected with SLMAP-related conditions. Algorithms developed to predict the effect of sequence changes on RNA splicing suggest that this variant may disrupt the consensus splice site. In summary, the available evidence is currently insufficient to determine the role of this variant in disease. Therefore, it has been classified as a Variant of Uncertain Significance.

NM_001377540.1(SLMAP):c.1301-20A>G

Gene: SLMAP (sarcolemma associated protein; plus strand). Cytogenetic location: 3p14.3.
Variant type: single nucleotide variant.
Coding change: c.1301-20A>G on transcript NM_001377540.1 (MANE Select); 20 bases into the intron before coding-DNA position 1301, A replaced by G.
Molecular consequence: intron variant. On other transcripts: 5 prime UTR variant (7).
Genome position (GRCh38, 1-based): chr3:57,890,021, A>G. VCF-style: chr3-57890021-A-G. GRCh37 (hg19) VCF-style: chr3-57875748-A-G.
Other names: c.-169A>G (NM_001377927.1, NM_001377928.1, NM_001304422.3 and 4 more transcripts); c.1301-20A>G (NM_001377538.1, NM_001377539.1, NM_001377555.1); c.1238-20A>G (NM_001377545.1, NM_001377922.1); c.1250-20A>G (NM_001377541.1, NM_001304420.3, NM_001377562.1 and 2 more transcripts); c.1187-20A>G (NM_001377552.1, NM_001377551.1, NM_001377924.1); c.1199-20A>G (NM_001377549.1, NM_007159.5, NM_001377923.1); c.1136-20A>G (NM_001377559.1, NM_001377557.1, NM_001377925.1 and 1 more transcripts).
Identifiers: ClinVar variation 3675175 (VCV003675175.2).